The following is an entry in ClinVar:

NM_001042492.3(NF1):c.378del (p.Gly127fs)

Gene: NF1 (neurofibromin 1; plus strand). Cytogenetic location: 17q11.2.
Variant type: Deletion.
Coding change: c.378del on transcript NM_001042492.3 (MANE Select); coding-DNA position 378, one base deleted (A; older notation c.378delA).
Protein change: p.Gly127fs; shifts the reading frame from glycine 127.
Molecular consequence: frameshift variant.
Genome position (GRCh38, 1-based): chr17:31,163,275, A deleted; the last of 2 consecutive A bases (chr17:31,163,274-31,163,275); deleting either gives the same sequence. VCF-style (leftmost placement, unchanged base first): chr17-31163273-GA-G. GRCh37 (hg19) VCF-style: chr17-29490291-GA-G.
Other names: c.378delA, p.Gly127Glufs (NM_000267.4); c.378del, p.Gly127fs (NM_001128147.3); short protein forms G127fs.
Identifiers: ClinVar variation 2110678 (VCV002110678.4), dbSNP rs2544700880, ClinGen allele CA2580092849.

ClinVar aggregate classification (germline): Pathogenic (1 of 4 stars; one submission).

Conditions:
Neurofibromatosis, type 1 (NF1). Also called: NEUROFIBROMATOSIS, TYPE I, SOMATIC; Neurofibromatosis, type I; Peripheral type neurofibromatosis; VON RECKLINGHAUSEN DISEASE. Identifiers: Orphanet 636, MedGen C0027831, MONDO:0018975, OMIM 162200. Disease mechanism: loss of function.

Submission:

Labcorp Genetics (formerly Invitae), Labcorp
Classification: Pathogenic for Neurofibromatosis, type 1. Last evaluated: 2022-03-31. Review status: criteria provided, single submitter. Criteria: Invitae Variant Classification Sherloc (09022015). Collection method: clinical testing. Allele origin: germline.
Comment: For these reasons, this variant has been classified as Pathogenic. This variant has not been reported in the literature in individuals affected with NF1-related conditions. This variant is not present in population databases (gnomAD no frequency). This sequence change creates a premature translational stop signal (p.Gly127Glufs*38) in the NF1 gene. It is expected to result in an absent or disrupted protein product. Loss-of-function variants in NF1 are known to be pathogenic (PMID: 10712197, 23913538).

Literature cited by the submitters: PubMed 10712197; PubMed 23913538.